The following is an entry in ClinVar:

NM_006005.3(WFS1):c.2195_2217dup (p.Pro740fs)

Gene: WFS1 (wolframin ER transmembrane glycoprotein; plus strand). Cytogenetic location: 4p16.1.
Variant type: Duplication.
Coding change: c.2195_2217dup on transcript NM_006005.3 (MANE Select); coding-DNA positions 2195 to 2217, 23 bases duplicated (GCTGCCTCTACGGCGAGGCCTAC).
Protein change: p.Pro740fs; shifts the reading frame from proline 740.
Molecular consequence: frameshift variant.
Genome position (GRCh38, 1-based): chr4:6,301,990-6,302,012, GCTGCCTCTACGGCGAGGCCTAC duplicated; duplicating any 23 consecutive bases within chr4:6,301,989-6,302,012 gives the same sequence; the c. name uses the placement nearest the transcript's 3' end. VCF-style (leftmost placement, unchanged base first): chr4-6301988-G-GCGCTGCCTCTACGGCGAGGCCTA. GRCh37 (hg19) VCF-style: chr4-6303715-G-GCGCTGCCTCTACGGCGAGGCCTA.
Other names: c.2195_2217dup, p.Pro740fs (NM_001145853.1); short protein forms P740fs.
Identifiers: ClinVar variation 2717944 (VCV002717944.3), dbSNP rs1231024778, ClinGen allele CA797210000.
Genomic context (GRCh38, chr4:6,301,988, plus strand): 5'-CATCGACAACAGCGCCGAGTCTGCCATCAACATGCTCCCGTTCTTCATCGGCGACTGGAT[G>GCGCTGCCTCTACGGCGAGGCCTA]CGCTGCCTCTACGGCGAGGCCTACCCTGCCTGCAGCCCTGGCAACACCTCCACGGCCGAG-3'

ClinVar aggregate classification (germline): Pathogenic (1 of 4 stars; one submission).

Submission:

Labcorp Genetics (formerly Invitae), Labcorp
Classification: Pathogenic. Last evaluated: 2023-06-16. Review status: criteria provided, single submitter. Criteria: Invitae Variant Classification Sherloc (09022015). Collection method: clinical testing. Allele origin: germline.
Comment: For these reasons, this variant has been classified as Pathogenic. This variant disrupts a region of the WFS1 protein in which other variant(s) (p.Pro885Leu) have been determined to be pathogenic (PMID: 10521293, 28432734). This suggests that this is a clinically significant region of the protein, and that variants that disrupt it are likely to be disease-causing. This variant has not been reported in the literature in individuals affected with WFS1-related conditions. This variant is not present in population databases (gnomAD no frequency). This sequence change creates a premature translational stop signal (p.Pro740Alafs*130) in the WFS1 gene. While this is not anticipated to result in nonsense mediated decay, it is expected to disrupt the last 151 amino acid(s) of the WFS1 protein.

Literature cited by the submitters: PubMed 10521293; PubMed 28432734.